The following is an entry in ClinVar:

NM_000051.4(ATM):c.658G>C (p.Ala220Pro)

Gene: ATM (ATM serine/threonine kinase; plus strand). Cytogenetic location: 11q22.3.
Variant type: single nucleotide variant.
Coding change: c.658G>C on transcript NM_000051.4 (MANE Select); coding-DNA position 658, G replaced by C.
Protein change: p.Ala220Pro; replaces alanine 220 with proline.
Molecular consequence: missense variant.
Genome position (GRCh38, 1-based): chr11:108,244,114, G>C. VCF-style: chr11-108244114-G-C. GRCh37 (hg19) VCF-style: chr11-108114841-G-C.
Other names: c.658G>C, p.Ala220Pro (NM_001351834.2); short protein forms A220P.
Identifiers: ClinVar variation 1993504 (VCV001993504.4), dbSNP rs2135227395, ClinGen allele CA382528641.

ClinVar aggregate classification (germline): Uncertain significance (1 of 4 stars; one submission).

Conditions:
Ataxia-telangiectasia syndrome (AT). Also called: Ataxia telangiectasia (A-T); Cerebello-oculocutaneous telangiectasia; Immunodeficiency with ataxia telangiectasia; Ataxia-telangiectasia, complementation group D; Ataxia-telangiectasia, complementation group E; LOUIS-BAR SYNDROME. Identifiers: Orphanet 100, MedGen C0004135, MONDO:0008840, OMIM 208900.

Submission:

Labcorp Genetics (formerly Invitae), Labcorp
Classification: Uncertain significance for Ataxia-telangiectasia syndrome. Last evaluated: 2022-05-12. Review status: criteria provided, single submitter. Criteria: Invitae Variant Classification Sherloc (09022015). Collection method: clinical testing. Allele origin: germline.
Comment: In summary, the available evidence is currently insufficient to determine the role of this variant in disease. Therefore, it has been classified as a Variant of Uncertain Significance. This sequence change replaces alanine, which is neutral and non-polar, with proline, which is neutral and non-polar, at codon 220 of the ATM protein (p.Ala220Pro). This variant is not present in population databases (gnomAD no frequency). This variant has not been reported in the literature in individuals affected with ATM-related conditions. Advanced modeling of protein sequence and biophysical properties (such as structural, functional, and spatial information, amino acid conservation, physicochemical variation, residue mobility, and thermodynamic stability) performed at Invitae indicates that this missense variant is not expected to disrupt ATM protein function.